The following is an entry in ClinVar:

ClinVar aggregate classification (germline): Uncertain significance (1 of 4 stars; one submission).

Allele frequency attached by ClinVar (database versions not stated): TOPMed 0.00002; gnomAD 0.00003; gnomAD exomes below 0.00001.

Submission:

Labcorp Genetics (formerly Invitae), Labcorp
Classification: Uncertain significance. Last evaluated: 2021-06-17. Review status: criteria provided, single submitter. Criteria: Invitae Variant Classification Sherloc (09022015). Collection method: clinical testing. Allele origin: germline.
Comment: This sequence change falls in intron 50 of the CPLANE1 gene. It does not directly change the encoded amino acid sequence of the CPLANE1 protein. It affects a nucleotide within the consensus splice site of the intron. In summary, the available evidence is currently insufficient to determine the role of this variant in disease. Therefore, it has been classified as a Variant of Uncertain Significance. Nucleotide substitutions within the consensus splice site are a relatively common cause of aberrant splicing (PMID: 17576681, 9536098). Algorithms developed to predict the effect of sequence changes on RNA splicing suggest that this variant may disrupt the consensus splice site, but this prediction has not been confirmed by published transcriptional studies. This variant has not been reported in the literature in individuals with CPLANE1-related conditions. This variant is not present in population databases (ExAC no frequency).

Literature cited by the submitters: PubMed 17576681; PubMed 9536098.

NM_001384732.1(CPLANE1):c.9400+4A>G

Gene: CPLANE1 (ciliogenesis and planar polarity effector complex subunit 1; minus strand). Cytogenetic location: 5p13.2.
Variant type: single nucleotide variant.
Coding change: c.9400+4A>G on transcript NM_001384732.1 (MANE Select); 4 bases into the intron after coding-DNA position 9400, A replaced by G.
Molecular consequence: intron variant.
Genome position (GRCh38, 1-based): chr5:37,114,956, T>C on the plus strand (A>G on the coding strand, the complement: CPLANE1 is on the minus strand). VCF-style: chr5-37114956-T-C. GRCh37 (hg19) VCF-style: chr5-37115058-T-C.
Other names: c.9238+4A>G (NM_023073.4).
Identifiers: ClinVar variation 1445804 (VCV001445804.4), dbSNP rs1270327235, ClinGen allele CA559019764.